The following is an entry in ClinVar:

ClinVar aggregate classification (germline): Uncertain significance (1 of 4 stars; one submission).

Conditions:
Hereditary cancer-predisposing syndrome. Also called: Neoplastic Syndromes, Hereditary; Tumor predisposition; Hereditary neoplastic syndrome; Hereditary Cancer Syndrome. Identifiers: Orphanet 140162, MedGen C0027672, MeSH D009386, MONDO:0015356.

Submission:

Ambry Genetics
Classification: Uncertain significance for Hereditary cancer-predisposing syndrome. Last evaluated: 2026-07-07. Review status: criteria provided, single submitter. Criteria: Ambry Variant Classification Scheme 2023. Collection method: clinical testing. Allele origin: germline.
Comment: The p.S1245R variant (also known as c.3733A>C), located in coding exon 9 of the BRCA1 gene, results from an A to C substitution at nucleotide position 3733. The serine at codon 1245 is replaced by arginine, an amino acid with dissimilar properties. This amino acid position is conserved. In addition, the in silico prediction for this alteration is inconclusive. Based on the available evidence, the clinical significance of this variant remains unclear.

NM_007294.4(BRCA1):c.3733A>C (p.Ser1245Arg)

Genes: BRCA1 (BRCA1 DNA repair associated; minus strand), LOC126862571 (BRD4-independent group 4 enhancer GRCh37_chr17:41243136-41244335; plus strand). Cytogenetic location: 17q21.31.
Variant type: single nucleotide variant.
Coding change: c.3733A>C on transcript NM_007294.4 (MANE Select); coding-DNA position 3733, A replaced by C.
Protein change: p.Ser1245Arg; replaces serine 1245 with arginine.
Molecular consequence: missense variant. On other transcripts: intron variant (135).
Genome position (GRCh38, 1-based): chr17:43,091,798, T>G on the plus strand (A>C on the coding strand, the complement: BRCA1 is on the minus strand). VCF-style: chr17-43091798-T-G. GRCh37 (hg19) VCF-style: chr17-41243815-T-G.
Other names: c.3589A>C, p.Ser1197Arg (NM_001407964.1, NM_001407943.1, NM_001407740.1 and 20 more transcripts); c.3229A>C, p.Ser1077Arg (NM_001407965.1); c.2845A>C, p.Ser949Arg (NM_001407966.1, NM_001407967.1); c.1129A>C, p.Ser377Arg (NM_001407968.1, NM_001407969.1); c.3592A>C, p.Ser1198Arg (NM_007297.4, NM_001407942.1, NM_001407944.1 and 29 more transcripts); c.3733A>C, p.Ser1245Arg (NM_007300.4, NM_001407684.1, NM_001407854.1 and 30 more transcripts); c.3397A>C, p.Ser1133Arg (NM_001407954.1, NM_001407955.1, NM_001407956.1 and 1 more transcripts); c.3400A>C, p.Ser1134Arg (NM_001407957.1, NM_001407946.1, NM_001407947.1 and 6 more transcripts); and 41 more; short protein forms S1134R, S1174R, S1175R, S1177R, S1203R, S1204R, S1242R, S377R.
Identifiers: ClinVar variation 5033188 (VCV005033188.1).